The following is an entry in ClinVar:

ClinVar aggregate classification (germline): Likely benign. Review status: criteria provided, multiple submitters, no conflicts (2 of 4 stars). 2 submissions from 2 submitters: Likely benign (2). Last evaluated 2025-10-02.

Conditions:
Peroxisome biogenesis disorder, complementation group 7 (CG7). Also called: Peroxisome biogenesis disorder, complementation group B. Identifiers: MedGen C1864399.

Allele frequency attached by ClinVar (database versions not stated): ExAC 0.00001; gnomAD 0.00001; gnomAD exomes 0.00001; TOPMed 0.00001; ESP Exome Variant Server 0.00008.
gnomAD v4.1: 16 of 1,612,428 alleles (0.00099%); highest among the groups gnomAD compares: Admixed American, 0.0033%; no homozygotes.

Submissions (2):

Labcorp Genetics (formerly Invitae), Labcorp
Classification: Likely benign for Peroxisome biogenesis disorder, complementation group 7. Last evaluated: 2025-10-02. Review status: criteria provided, single submitter. Criteria: Invitae Variant Classification Sherloc (09022015). Collection method: clinical testing. Allele origin: germline.

CeGaT Center for Human Genetics Tuebingen
Classification: Likely benign. Last evaluated: 2022-10-01. Review status: criteria provided, single submitter. Criteria: CeGaT Center For Human Genetics Tuebingen Variant Classification Criteria Version 2. Collection method: clinical testing. Allele origin: germline. Affected: yes. Observed: 1 variant allele.
Comment: PEX10: BP4, BP7

NM_002617.4(PEX10):c.897G>A (p.Ala299=)

Gene: PEX10 (peroxisomal biogenesis factor 10; minus strand). Cytogenetic location: 1p36.32.
Variant type: single nucleotide variant.
Coding change: c.897G>A on transcript NM_002617.4 (MANE Select); coding-DNA position 897, G replaced by A.
Protein change: p.Ala299=; no amino-acid change (alanine 299 retained).
Molecular consequence: synonymous variant. On other transcripts: non-coding transcript variant (1).
Genome position (GRCh38, 1-based): chr1:2,406,499, C>T on the plus strand (G>A on the coding strand, the complement: PEX10 is on the minus strand). VCF-style: chr1-2406499-C-T. GRCh37 (hg19) VCF-style: chr1-2337938-C-T.
Other names: c.954G>A, p.Ala318= (NM_001374425.1); c.522G>A, p.Ala174= (NM_001374426.1); c.465G>A, p.Ala155= (NM_001374427.1); c.957G>A, p.Ala319= (NM_153818.2).
Identifiers: ClinVar variation 1094404 (VCV001094404.31), dbSNP rs372779905, ClinGen allele CA537985.